The following is an entry in ClinVar:

NM_018474.6(KIZ):c.1447-2A>G

Genes: KIZ (kizuna centrosomal protein; plus strand), KIZ-AS1 (KIZ antisense RNA 1; minus strand). Cytogenetic location: 20p11.23.
Variant type: single nucleotide variant.
Coding change: c.1447-2A>G on transcript NM_018474.6 (MANE Select); the canonical splice acceptor site of the intron before coding-DNA position 1447, A replaced by G.
Molecular consequence: splice acceptor variant.
Genome position (GRCh38, 1-based): chr20:21,214,533, A>G. VCF-style: chr20-21214533-A-G. GRCh37 (hg19) VCF-style: chr20-21195171-A-G.
Other names: c.1447-2A>G (NM_018474.5); c.1300-2A>G (NM_001276389.2); c.1105-2A>G (NM_001352436.2); c.1393-2A>G (NM_001352434.2); c.1138-2A>G (NM_001163022.3); c.1084-2A>G (NM_001352435.2); c.1048-2A>G (NM_001163023.3).
Identifiers: ClinVar variation 1065922 (VCV001065922.10), dbSNP rs748951603, ClinGen allele CA9784878.
Genomic context (GRCh38, chr20:21,214,533, plus strand): 5'-ACCAAGAGGAATGTGGCTACAGTTTGTTTTTATTTCTTTGTGCTTTTTTTGAAACACTGT[A>G]GGCAACAGCATTATTGAGAAAAGCCCTTACAGAAGAGTGTGGCCGTAGGTCAGCTATTCA-3'

ClinVar aggregate classification (germline): Likely pathogenic. Review status: criteria provided, multiple submitters, no conflicts (2 of 4 stars). 3 submissions from 3 submitters: Likely pathogenic (3). Last evaluated 2025-09-26.

Conditions:
KIZ-related disorder. Also called: KIZ-related condition.

Allele frequency attached by ClinVar (database versions not stated): TOPMed below 0.00001; gnomAD 0.00001; gnomAD exomes 0.00003 and 0.00008; ExAC 0.00009.
gnomAD v4.1: 49 of 1,610,220 alleles (0.003%); highest among the groups gnomAD compares: Admixed American, 0.033%; no homozygotes.

Submissions (4):

PreventionGenetics, part of Exact Sciences
Classification: Likely pathogenic for KIZ-related condition. Last evaluated: 2025-09-26. Review status: criteria provided, single submitter. Criteria: ACMG Guidelines, 2015. Collection method: clinical testing. Allele origin: germline.
Comment: The KIZ c.1447-2A>G variant is predicted to disrupt the AG splice acceptor site and interfere with normal splicing. To our knowledge, this variant has not been reported in the literature. This variant is present in 0.040% of alleles in individuals of Latino descent in gnomAD. Variants that disrupt the consensus splice acceptor site in KIZ are a moderately established mechanism of disease. Given the evidence, we interpret this variant as likely pathogenic.

Labcorp Genetics (formerly Invitae), Labcorp
Classification: Likely pathogenic. Last evaluated: 2024-10-26. Review status: criteria provided, single submitter. Criteria: Invitae Variant Classification Sherloc (09022015). Collection method: clinical testing. Allele origin: germline.
Comment: This sequence change affects an acceptor splice site in intron 7 of the KIZ gene. It is expected to disrupt RNA splicing. Variants that disrupt the donor or acceptor splice site typically lead to a loss of protein function (PMID: 16199547), and loss-of-function variants in KIZ are known to be pathogenic (PMID: 24680887, 29057815). This variant is present in population databases (rs748951603, gnomAD 0.02%). This variant has not been reported in the literature in individuals affected with KIZ-related conditions. ClinVar contains an entry for this variant (Variation ID: 1065922). Algorithms developed to predict the effect of sequence changes on RNA splicing suggest that this variant may disrupt the consensus splice site. In summary, the currently available evidence indicates that the variant is pathogenic, but additional data are needed to prove that conclusively. Therefore, this variant has been classified as Likely Pathogenic.

Blueprint Genetics
Classification: Likely pathogenic for KIZ-related disorders. Last evaluated: 2022-09-28. Review status: criteria provided, single submitter. Criteria: ACMG Guidelines, 2015. Collection method: clinical testing. Allele origin: germline. Affected: yes. Observed: 5 variant alleles.

Dr. Peter K. Rogan Lab, Western University
No classification provided (evidence only). Condition: Papillary renal cell carcinoma type 1. Review status: no classification provided. Collection method: in vitro. Allele origin: not applicable. Functional consequence: retained intron. Not counted in ClinVar's aggregate classification.

Literature cited by the submitters: PubMed 16199547 (cited by Labcorp Genetics (formerly Invitae), Labcorp); PubMed 24680887 (cited by Labcorp Genetics (formerly Invitae), Labcorp); PubMed 29057815 (cited by Labcorp Genetics (formerly Invitae), Labcorp).